The following is an entry in ClinVar:

ClinVar aggregate classification (germline): Uncertain significance (1 of 4 stars; one submission).

Conditions:
Congenital muscular dystrophy due to integrin alpha-7 deficiency. Also called: Congenital muscular dystrophy with integrin alpha-7 deficiency; Muscular dystrophy, congenital, due to ITGA7 deficiency; MYOPATHY, CONGENITAL, DUE TO INTEGRIN ALPHA-7 DEFICIENCY. Identifiers: Orphanet 34520, MedGen C2750786, MONDO:0013177, OMIM 613204.

Submission:

Labcorp Genetics (formerly Invitae), Labcorp
Classification: Uncertain significance for Congenital muscular dystrophy due to integrin alpha-7 deficiency. Last evaluated: 2022-11-08. Review status: criteria provided, single submitter. Criteria: Invitae Variant Classification Sherloc (09022015). Collection method: clinical testing. Allele origin: germline.
Comment: In summary, the available evidence is currently insufficient to determine the role of this variant in disease. Therefore, it has been classified as a Variant of Uncertain Significance. Variants that disrupt the consensus splice site are a relatively common cause of aberrant splicing (PMID: 17576681, 9536098). Algorithms developed to predict the effect of sequence changes on RNA splicing suggest that this variant is not likely to affect RNA splicing. This variant has not been reported in the literature in individuals affected with ITGA7-related conditions. This variant is present in population databases (no rsID available, gnomAD 0.06%). This sequence change falls in intron 3 of the ITGA7 gene. It does not directly change the encoded amino acid sequence of the ITGA7 protein. It affects a nucleotide within the consensus splice site.

Literature cited by the submitters: PubMed 17576681; PubMed 9536098.

NM_002206.3(ITGA7):c.415-3C>A

Gene: ITGA7 (integrin subunit alpha 7; minus strand). Cytogenetic location: 12q13.2.
Variant type: single nucleotide variant.
Coding change: c.415-3C>A on transcript NM_002206.3 (MANE Select); 3 bases into the intron before coding-DNA position 415, C replaced by A.
Molecular consequence: intron variant.
Genome position (GRCh38, 1-based): chr12:55,701,157, G>T on the plus strand (C>A on the coding strand, the complement: ITGA7 is on the minus strand). VCF-style: chr12-55701157-G-T. GRCh37 (hg19) VCF-style: chr12-56094941-G-T.
Other names: c.124-3C>A (NM_001144997.2); c.76-3C>A (NM_001367993.1, NM_001414035.1); c.415-186C>A (NM_001414033.1); c.-758-3C>A (NM_001367994.1); c.415-3C>A (NM_001414032.1, NM_001414031.1, NM_001374465.1 and 5 more transcripts).
Identifiers: ClinVar variation 2899938 (VCV002899938.3), dbSNP rs768682336, ClinGen allele CA605246899.
Genomic context (GRCh38, chr12:55,701,157, plus strand): 5'-CCCGCGTCTCCAGGATCTGGTCCACTCGCTGCCTTGCCTCATATCGGTGTGCACAGGTCT[G>T]GGGGAGGAAGGGATGGGGATCATTTCACTCTGTGGGCCAGGGACCTGCTTGAGGCATGCT-3'